The following is an entry in ClinVar:

NM_022168.4(IFIH1):c.193A>C (p.Thr65Pro)

Gene: IFIH1 (interferon induced with helicase C domain 1; minus strand). Cytogenetic location: 2q24.2.
Variant type: single nucleotide variant.
Coding change: c.193A>C on transcript NM_022168.4 (MANE Select); coding-DNA position 193, A replaced by C.
Protein change: p.Thr65Pro; replaces threonine 65 with proline.
Molecular consequence: missense variant.
Genome position (GRCh38, 1-based): chr2:162,318,115, T>G on the plus strand (A>C on the coding strand, the complement: IFIH1 is on the minus strand). VCF-style: chr2-162318115-T-G. GRCh37 (hg19) VCF-style: chr2-163174625-T-G.
Other names: short protein forms T65P.
Identifiers: ClinVar variation 2077197 (VCV002077197.4), dbSNP rs2469006135, ClinGen allele CA349013941.

ClinVar aggregate classification (germline): Uncertain significance (1 of 4 stars; one submission).

Conditions:
Singleton-Merten syndrome 1 (SGMRT1). Also called: Widened medullary cavities of bone, aortic calcification, abnormal dentition, and muscular weakness; Syndrome of widened medullary cavities of the metacarpals and phalanges, aortic calcification and abnormal dentition. Identifiers: Orphanet 85191, MedGen C4225427, MONDO:0024535, OMIM 182250.
Aicardi-Goutieres syndrome 7 (AGS7). Identifiers: Orphanet 51, MedGen C3888244, MONDO:0014367, OMIM 615846.

Submission:

Labcorp Genetics (formerly Invitae), Labcorp
Classification: Uncertain significance for Aicardi-Goutieres syndrome 7; Singleton-Merten syndrome 1. Last evaluated: 2022-05-13. Review status: criteria provided, single submitter. Criteria: Invitae Variant Classification Sherloc (09022015). Collection method: clinical testing. Allele origin: germline.
Comment: In summary, the available evidence is currently insufficient to determine the role of this variant in disease. Therefore, it has been classified as a Variant of Uncertain Significance. Algorithms developed to predict the effect of missense changes on protein structure and function (SIFT, PolyPhen-2, Align-GVGD) all suggest that this variant is likely to be tolerated. This variant has not been reported in the literature in individuals affected with IFIH1-related conditions. This variant is not present in population databases (gnomAD no frequency). This sequence change replaces threonine, which is neutral and polar, with proline, which is neutral and non-polar, at codon 65 of the IFIH1 protein (p.Thr65Pro).